The following is an entry in ClinVar:

NM_004958.4(MTOR):c.5239A>C (p.Met1747Leu)

Gene: MTOR (mechanistic target of rapamycin kinase; minus strand). Cytogenetic location: 1p36.22.
Variant type: single nucleotide variant.
Coding change: c.5239A>C on transcript NM_004958.4 (MANE Select); coding-DNA position 5239, A replaced by C.
Protein change: p.Met1747Leu; replaces methionine 1747 with leucine.
Molecular consequence: missense variant.
Genome position (GRCh38, 1-based): chr1:11,134,358, T>G on the plus strand (A>C on the coding strand, the complement: MTOR is on the minus strand). VCF-style: chr1-11134358-T-G. GRCh37 (hg19) VCF-style: chr1-11194415-T-G.
Other names: c.5239A>C, p.Met1747Leu (NM_001386500.1); c.3991A>C, p.Met1331Leu (NM_001386501.1); short protein forms M1331L, M1747L.
Identifiers: ClinVar variation 1489067 (VCV001489067.8), dbSNP rs2100451683, ClinGen allele CA338400567.

ClinVar aggregate classification (germline): Uncertain significance (1 of 4 stars; one submission).

Submission:

Labcorp Genetics (formerly Invitae), Labcorp
Classification: Uncertain significance. Last evaluated: 2021-05-18. Review status: criteria provided, single submitter. Criteria: Invitae Variant Classification Sherloc (09022015). Collection method: clinical testing. Allele origin: germline.
Comment: In summary, the available evidence is currently insufficient to determine the role of this variant in disease. Therefore, it has been classified as a Variant of Uncertain Significance. Advanced modeling of protein sequence and biophysical properties (such as structural, functional, and spatial information, amino acid conservation, physicochemical variation, residue mobility, and thermodynamic stability) performed at Invitae indicates that this missense variant is not expected to disrupt MTOR protein function. This variant has not been reported in the literature in individuals with MTOR-related conditions. This variant is not present in population databases (ExAC no frequency). This sequence change replaces methionine with leucine at codon 1747 of the MTOR protein (p.Met1747Leu). The methionine residue is moderately conserved and there is a small physicochemical difference between methionine and leucine.